The following is an entry in ClinVar:

ClinVar aggregate classification (germline): Pathogenic/Likely pathogenic. Review status: criteria provided, multiple submitters, no conflicts (2 of 4 stars). 7 submissions from 7 submitters: Pathogenic (3); Likely pathogenic (4). Last evaluated 2026-01-02.

Conditions:
ERCC2-related disorder. Also called: ERCC2-related disorders; ERCC2-related conditions; ERCC2-related condition. Identifiers: MedGen CN239291.
Trichothiodystrophy 1, photosensitive (TTD1). Also called: TAY SYNDROME; TRICHOTHIODYSTROPHY WITH CONGENITAL ICHTHYOSIS; PIBIDS SYNDROME. Identifiers: Orphanet 33364, MedGen C1866504, MONDO:0011125, OMIM 601675.
Xeroderma pigmentosum, group D (XPD). Also called: XERODERMA PIGMENTOSUM, COMPLEMENTATION GROUP D; XERODERMA PIGMENTOSUM IV; XP, GROUP D; XP, GROUP H; ERCC2-Related Xeroderma Pigmentosum. Identifiers: MedGen C0268138, MONDO:0010212, OMIM 278730.
Cerebrooculofacioskeletal syndrome 2 (COFS2). Identifiers: MedGen C1853102, MONDO:0012553, OMIM 610756.

Allele frequency attached by ClinVar (database versions not stated): ExAC 0.00001; gnomAD exomes 0.00001; TOPMed 0.00002; gnomAD 0.00004.
gnomAD v4.1: 59 of 1,613,062 alleles (0.0037%); highest among the groups gnomAD compares: Non-Finnish European, 0.0046%; no homozygotes.

Submissions (7):

Dasa
Classification: Likely pathogenic. Last evaluated: 2026-01-02. Review status: criteria provided, single submitter. Criteria: DASA Assertion Criteria. Collection method: clinical testing. Allele origin: germline.
Comment: NM_000400.4(ERCC2):c.183+2T>A affects a canonical splice site and is predicted to disrupt normal RNA splicing. Loss of function is an established disease mechanism for ERCC2-associated disorders. This variant has been recurrently observed in individuals with ERCC2-related disorders (PMID: 25525159; PMID: 7585650). Also, this variant is rare in population databases. Based on the currently available evidence, this variant is classified as likely pathogenic.

Labcorp Genetics (formerly Invitae), Labcorp
Classification: Pathogenic. Last evaluated: 2025-12-31. Review status: criteria provided, single submitter. Criteria: Invitae Variant Classification Sherloc (09022015). Collection method: clinical testing. Allele origin: germline.
Comment: This sequence change affects a donor splice site in intron 3 of the ERCC2 gene. It is expected to disrupt RNA splicing. Variants that disrupt the donor or acceptor splice site typically lead to a loss of protein function (PMID: 16199547), and loss-of-function variants in ERCC2 are known to be pathogenic (PMID: 9238033, 11335038, 19085937, 19934020). This variant is present in population databases (rs201127596, gnomAD 0.007%). Disruption of this splice site has been observed in individual(s) with xeroderma pigmentosum (PMID: 7585650). In at least one individual the data is consistent with being in trans (on the opposite chromosome) from a pathogenic variant. ClinVar contains an entry for this variant (Variation ID: 329529). Algorithms developed to predict the effect of sequence changes on RNA splicing suggest that this variant may disrupt the consensus splice site. For these reasons, this variant has been classified as Pathogenic.

First Genomix Gene Laboratory, Genetic Diagnostics Department
Classification: Likely pathogenic for Cerebrooculofacioskeletal syndrome 2; Trichothiodystrophy 1, photosensitive; Xeroderma pigmentosum, group D. Last evaluated: 2025-08-08. Review status: criteria provided, single submitter. Criteria: ACMG Guidelines, 2015. Collection method: clinical testing. Allele origin: germline. Inheritance: Autosomal recessive inheritance. Affected: no. Observed: 1 variant allele.

PreventionGenetics, part of Exact Sciences
Classification: Pathogenic for ERCC2-related condition. Last evaluated: 2024-11-20. Review status: criteria provided, single submitter. Criteria: ACMG Guidelines, 2015. Collection method: clinical testing. Allele origin: germline.
Comment: The ERCC2 c.183+2T>A variant is predicted to disrupt the GT donor site and interfere with normal splicing. This variant has been reported in an individual with xeroderma pigmentosum (Patient XP6BE(SV40) in Takayama et al. 1995. PubMed ID: 7585650, variant referred to as allele 2). This variant is reported in 0.0023% of alleles in individuals of European (Non-Finnish) descent in gnomAD. Variants that disrupt the consensus splice donor site in ERCC2 are expected to be pathogenic. This variant is interpreted as pathogenic.

Baylor Genetics
Classification: Pathogenic for Cerebrooculofacioskeletal syndrome 2. Last evaluated: 2023-11-14. Review status: criteria provided, single submitter. Criteria: ACMG Guidelines, 2015. Collection method: clinical testing. Allele origin: unknown.

GeneDx
Classification: Likely pathogenic. Last evaluated: 2023-08-09. Review status: criteria provided, single submitter. Criteria: GeneDx Variant Classification Process June 2021. Collection method: clinical testing. Allele origin: germline. Affected: yes.
Comment: Canonical splice site variant predicted to result in an in-frame loss of the adjacent exon in a gene for which loss of function is a known mechanism of disease; Not observed at significant frequency in large population cohorts (gnomAD); This variant is associated with the following publications: (PMID: 25525159, 7585650)

Laboratorio de Genetica e Diagnostico Molecular, Hospital Israelita Albert Einstein
Classification: Likely pathogenic for Xeroderma pigmentosum, group D. Last evaluated: 2022-12-09. Review status: criteria provided, single submitter. Criteria: ACMG Guidelines, 2015. Collection method: clinical testing. Allele origin: germline. Affected: yes. Observed: 1 variant allele.
Comment: ACMG classification criteria: PVS1 strong, PM2 moderated

Literature cited by the submitters: PubMed 25525159 (cited by Dasa); PubMed 7585650 (cited by Dasa and Labcorp Genetics (formerly Invitae), Labcorp); PubMed 16199547 (cited by Labcorp Genetics (formerly Invitae), Labcorp); PubMed 9238033 (cited by Labcorp Genetics (formerly Invitae), Labcorp); PubMed 11335038 (cited by Labcorp Genetics (formerly Invitae), Labcorp); PubMed 19085937 (cited by Labcorp Genetics (formerly Invitae), Labcorp); PubMed 19934020 (cited by Labcorp Genetics (formerly Invitae), Labcorp).

NM_000400.4(ERCC2):c.183+2T>A

Gene: ERCC2 (ERCC excision repair 2, TFIIH core complex helicase subunit; minus strand). Cytogenetic location: 19q13.32.
Variant type: single nucleotide variant.
Coding change: c.183+2T>A on transcript NM_000400.4 (MANE Select); the canonical splice donor site of the intron after coding-DNA position 183, T replaced by A.
Molecular consequence: splice donor variant.
Genome position (GRCh38, 1-based): chr19:45,369,068, A>T on the plus strand (T>A on the coding strand, the complement: ERCC2 is on the minus strand). VCF-style: chr19-45369068-A-T. GRCh37 (hg19) VCF-style: chr19-45872326-A-T.
Other names: c.111+2T>A (NM_001130867.2).
Identifiers: ClinVar variation 329529 (VCV000329529.17), dbSNP rs201127596, ClinGen allele CA9513899.